The following is an entry in ClinVar:

NM_005591.4(MRE11):c.772C>T (p.Gln258Ter)

Gene: MRE11 (MRE11 double strand break repair nuclease; minus strand). Cytogenetic location: 11q21.
Variant type: single nucleotide variant.
Coding change: c.772C>T on transcript NM_005591.4 (MANE Select); coding-DNA position 772, C replaced by T.
Protein change: p.Gln258Ter; replaces glutamine 258 with a stop codon.
Molecular consequence: nonsense.
Genome position (GRCh38, 1-based): chr11:94,471,647, G>A on the plus strand (C>T on the coding strand, the complement: MRE11 is on the minus strand). VCF-style: chr11-94471647-G-A. GRCh37 (hg19) VCF-style: chr11-94204813-G-A.
Other names: c.772C>T, p.Gln258Ter (NM_001330347.2, NM_001440460.1, NM_001440461.1 and 18 more transcripts); c.697C>T, p.Gln233Ter (NM_001440471.1, NM_001440472.1, NM_001440479.1); c.427C>T, p.Gln143Ter (NM_001440482.1, NM_001440483.1, NM_001440484.1); c.304C>T, p.Gln102Ter (NM_001440485.1, NM_001440486.1, NM_001440487.1); short protein forms Q102*, Q143*, Q233*, Q258*.
Identifiers: ClinVar variation 4856961 (VCV004856961.2).

ClinVar aggregate classification (germline): Likely pathogenic (1 of 4 stars; one submission).

Submission:

Dasa
Classification: Likely pathogenic. Last evaluated: 2026-04-14. Review status: criteria provided, single submitter. Criteria: DASA Assertion Criteria. Collection method: clinical testing. Allele origin: germline.
Comment: NM_005591.4(MRE11):c.772C>T (p.Gln258*) is a nonsense variant in MRE11 predicted to introduce a premature termination codon and is predicted to result in an absent or altered protein product. Loss of function is an established disease mechanism for MRE11-associated disorders. Also, this variant is rare in population databases. Based on the currently available evidence, this variant is classified as likely pathogenic.